The following is an entry in ClinVar:

NM_001128840.3(CACNA1D):c.3017A>C (p.Gln1006Pro)

Gene: CACNA1D (calcium voltage-gated channel subunit alpha1 D; plus strand). Cytogenetic location: 3p21.1.
Variant type: single nucleotide variant.
Coding change: c.3017A>C on transcript NM_001128840.3 (MANE Select); coding-DNA position 3017, A replaced by C.
Protein change: p.Gln1006Pro; replaces glutamine 1006 with proline.
Molecular consequence: missense variant.
Genome position (GRCh38, 1-based): chr3:53,745,634, A>C. VCF-style: chr3-53745634-A-C. GRCh37 (hg19) VCF-style: chr3-53779661-A-C.
Other names: c.3077A>C, p.Gln1026Pro (NM_000720.4); c.3017A>C, p.Gln1006Pro (NM_001128839.3); short protein forms Q1026P, Q1006P.
Identifiers: ClinVar variation 2114042 (VCV002114042.4), dbSNP rs2473938912, ClinGen allele CA353246321.

ClinVar aggregate classification (germline): Uncertain significance (1 of 4 stars; one submission).

Submission:

Labcorp Genetics (formerly Invitae), Labcorp
Classification: Uncertain significance. Last evaluated: 2022-03-18. Review status: criteria provided, single submitter. Criteria: Invitae Variant Classification Sherloc (09022015). Collection method: clinical testing. Allele origin: germline.
Comment: This sequence change replaces glutamine, which is neutral and polar, with proline, which is neutral and non-polar, at codon 1026 of the CACNA1D protein (p.Gln1026Pro). This variant is not present in population databases (gnomAD no frequency). This variant has not been reported in the literature in individuals affected with CACNA1D-related conditions. Algorithms developed to predict the effect of missense changes on protein structure and function (SIFT, PolyPhen-2, Align-GVGD) all suggest that this variant is likely to be disruptive. In summary, the available evidence is currently insufficient to determine the role of this variant in disease. Therefore, it has been classified as a Variant of Uncertain Significance.